The following is an entry in ClinVar:

ClinVar aggregate classification (germline): Uncertain significance. Review status: criteria provided, multiple submitters, no conflicts (2 of 4 stars). 2 submissions from 2 submitters: Uncertain significance (2). Last evaluated 2025-07-02.

Conditions:
Charcot-Marie-Tooth Neuropathy X. Identifiers: MedGen CN118851.
Charcot-Marie-Tooth disease X-linked dominant 1. Also called: CHARCOT-MARIE-TOOTH NEUROPATHY, X-LINKED, 1; CHARCOT-MARIE-TOOTH PERONEAL MUSCULAR ATROPHY, X-LINKED; X-linked Charcot-Marie-Tooth disease type 1; HEREDITARY MOTOR AND SENSORY NEUROPATHY, X-LINKED; HMSN, X-LINKED; Charcot-Marie-Tooth Neuropathy X Type 1. Identifiers: Orphanet 101075, MedGen C0393808, MONDO:0010549, OMIM 302800.

Allele frequency attached by ClinVar (database versions not stated): TOPMed 0.00001; ExAC 0.00002; gnomAD exomes 0.00002.
gnomAD v4.1: 23 of 1,206,018 alleles (0.0019%); highest among the groups gnomAD compares: Non-Finnish European, 0.0025%; no homozygotes.

Submissions (2):

Labcorp Genetics (formerly Invitae), Labcorp
Classification: Uncertain significance for Charcot-Marie-Tooth Neuropathy X. Last evaluated: 2025-07-02. Review status: criteria provided, single submitter. Criteria: Invitae Variant Classification Sherloc (09022015). Collection method: clinical testing. Allele origin: germline.
Comment: This sequence change replaces valine, which is neutral and non-polar, with isoleucine, which is neutral and non-polar, at codon 152 of the GJB1 protein (p.Val152Ile). The frequency data for this variant in the population databases is considered unreliable, as metrics indicate poor data quality at this position in the gnomAD database. This missense change has been observed in individual(s) with GJB1-related conditions (PMID: 38374194). ClinVar contains an entry for this variant (Variation ID: 2034450). Invitae Evidence Modeling of protein sequence and biophysical properties (such as structural, functional, and spatial information, amino acid conservation, physicochemical variation, residue mobility, and thermodynamic stability) indicates that this missense variant is not expected to disrupt GJB1 protein function with a negative predictive value of 95%. In summary, the available evidence is currently insufficient to determine the role of this variant in disease. Therefore, it has been classified as a Variant of Uncertain Significance.

Kariminejad - Najmabadi Pathology & Genetics Center
Classification: Uncertain significance for Charcot-Marie-Tooth disease X-linked dominant 1. Last evaluated: 2018-09-06. Review status: criteria provided, single submitter. Criteria: ACMG Guidelines, 2015. Collection method: clinical testing. Allele origin: germline. Inheritance: X-linked inheritance. Affected: yes.
Comment: PM1 PM2 PP2 BP4

Literature cited by the submitters: PubMed 38374194 (cited by Labcorp Genetics (formerly Invitae), Labcorp).

NM_000166.6(GJB1):c.454G>A (p.Val152Ile)

Gene: GJB1 (gap junction protein beta 1; plus strand). Cytogenetic location: Xq13.1.
Variant type: single nucleotide variant.
Coding change: c.454G>A on transcript NM_000166.6 (MANE Select); coding-DNA position 454, G replaced by A.
Protein change: p.Val152Ile; replaces valine 152 with isoleucine.
Molecular consequence: missense variant.
Genome position (GRCh38, 1-based): chrX:71,224,161, G>A. VCF-style: chrX-71224161-G-A. GRCh37 (hg19) VCF-style: chrX-70444011-G-A.
Other names: c.454G>A, p.Val152Ile (NM_001097642.3); short protein forms V152I.
Identifiers: ClinVar variation 2034450 (VCV002034450.4), dbSNP rs767007801, ClinGen allele CA10445304.
Genomic context (GRCh38, chrX:71,224,161, plus strand): 5'-TGGTGGACCTATGTCATCAGCGTGGTGTTCCGGCTGTTGTTTGAGGCCGTCTTCATGTAT[G>A]TCTTTTATCTGCTCTACCCTGGCTATGCCATGGTGCGGCTGGTCAAGTGCGACGTCTACC-3'
Protein context (NP_000157.1, residues 142-162): RLLFEAVFMY[Val152Ile]FYLLYPGYAM